The following is an entry in ClinVar:

ClinVar aggregate classification (germline): Uncertain significance (1 of 4 stars; one submission).

Conditions:
Hereditary cancer-predisposing syndrome. Also called: Tumor predisposition; Hereditary Cancer Syndrome; Neoplastic Syndromes, Hereditary; Hereditary neoplastic syndrome. Identifiers: Orphanet 140162, MedGen C0027672, MeSH D009386, MONDO:0015356.

Submission:

Ambry Genetics
Classification: Uncertain significance for Hereditary cancer-predisposing syndrome. Last evaluated: 2024-11-21. Review status: criteria provided, single submitter. Criteria: Ambry Variant Classification Scheme 2023. Collection method: clinical testing. Allele origin: germline.
Comment: The p.E2814D variant (also known as c.8442A>T), located in coding exon 57 of the ATM gene, results from an A to T substitution at nucleotide position 8442. The glutamic acid at codon 2814 is replaced by aspartic acid, an amino acid with highly similar properties. This amino acid position is conserved. In addition, this alteration is predicted to be tolerated by in silico analysis. Based on the available evidence, the clinical significance of this variant remains unclear.

NM_000051.4(ATM):c.8442A>T (p.Glu2814Asp)

Genes: ATM (ATM serine/threonine kinase; plus strand), C11orf65 (chromosome 11 open reading frame 65; minus strand). Cytogenetic location: 11q22.3.
Variant type: single nucleotide variant.
Coding change: c.8442A>T on transcript NM_000051.4 (MANE Select); coding-DNA position 8442, A replaced by T.
Protein change: p.Glu2814Asp; replaces glutamic acid 2814 with aspartic acid.
Molecular consequence: missense variant. On other transcripts: intron variant (2).
Genome position (GRCh38, 1-based): chr11:108,345,766, A>T. VCF-style: chr11-108345766-A-T. GRCh37 (hg19) VCF-style: chr11-108216493-A-T.
Other names: c.8442A>T, p.Glu2814Asp (NM_001351834.2); c.641-36695T>A (NM_001330368.2); c.695-10474T>A (NM_001351110.2); short protein forms E2814D.
Identifiers: ClinVar variation 3452868 (VCV003452868.1).